The following is an entry in ClinVar:

NM_001267550.2(TTN):c.38380+29T>A

Gene: TTN (titin; minus strand). Cytogenetic location: 2q31.2.
Variant type: single nucleotide variant.
Coding change: c.38380+29T>A on transcript NM_001267550.2 (MANE Select); 29 bases into the intron after coding-DNA position 38380, T replaced by A.
Molecular consequence: intron variant.
Genome position (GRCh38, 1-based): chr2:178,654,179, A>T on the plus strand (T>A on the coding strand, the complement: TTN is on the minus strand). VCF-style: chr2-178654179-A-T. GRCh37 (hg19) VCF-style: chr2-179518906-A-T.
Other names: c.13283-11862T>A (NM_003319.4); c.13859-11862T>A (NM_133437.4); c.13658-11862T>A (NM_133432.3); c.31742-1638T>A (NM_133378.4); c.34523-1638T>A (NM_001256850.1).
Identifiers: ClinVar variation 675988 (VCV000675988.2), dbSNP rs184883030, ClinGen allele CA1997151.
Genomic context (GRCh38, chr2:178,654,179, plus strand): 5'-TAATTTATGAATGGCGAAGGTATATATTACAGTGATTGTGAGGGGTACAGACAGTAAGTT[A>T]TTCTTAGCAGAGGAGAGGGAATAAATACCTTTTGCACGTGGGGCTTCCGGTTTTTTGGGC-3'

ClinVar aggregate classification (germline): Likely benign. Review status: criteria provided, multiple submitters, no conflicts (2 of 4 stars). 2 submissions from 2 submitters: Likely benign (2). Last evaluated 2018-06-14.

Allele frequency attached by ClinVar (database versions not stated): ExAC 0.00198; 1000 Genomes Project 30x 0.00656; 1000 Genomes Project 0.00679; gnomAD 0.00684 and 0.00735; TOPMed 0.00713.
gnomAD v4.1: 1,949 of 1,586,014 alleles (0.12%); highest among the groups gnomAD compares: African/African-American, 2.2%; 102 homozygotes.

Submissions (2):

GeneDx
Classification: Likely benign. Last evaluated: 2018-06-14. Review status: criteria provided, single submitter. Criteria: GeneDx Variant Classification (06012015). Collection method: clinical testing. Allele origin: germline. Affected: yes.
Comment: This variant is considered likely benign or benign based on one or more of the following criteria: it is a conservative change, it occurs at a poorly conserved position in the protein, it is predicted to be benign by multiple in silico algorithms, and/or has population frequency not consistent with disease.

Breakthrough Genomics
Classification: Likely benign. Review status: criteria provided, single submitter. Criteria: ACMG Guidelines, 2015. Collection method: not provided. Allele origin: germline. Inheritance: Autosomal recessive inheritance. Affected: yes.